The following is an entry in ClinVar:

ClinVar aggregate classification (germline): Pathogenic (1 of 4 stars; one submission).

Conditions:
Neurofibromatosis, type 1 (NF1). Also called: NEUROFIBROMATOSIS, TYPE I, SOMATIC; VON RECKLINGHAUSEN DISEASE; Peripheral type neurofibromatosis; Neurofibromatosis, type I. Identifiers: Orphanet 636, MedGen C0027831, MONDO:0018975, OMIM 162200. Disease mechanism: loss of function.

Submission:

Labcorp Genetics (formerly Invitae), Labcorp
Classification: Pathogenic for Neurofibromatosis, type 1. Last evaluated: 2022-04-12. Review status: criteria provided, single submitter. Criteria: Invitae Variant Classification Sherloc (09022015). Collection method: clinical testing. Allele origin: germline.
Comment: A similar copy number variant has been observed in individual(s) with NF1-related conditions (Invitae). This variant is a gross deletion of the genomic region encompassing exon(s) 16-17 of the NF1 gene. This deletion is out-of-frame, and is expected to create a premature termination codon and result in an absent or disrupted protein product. Loss-of-function variants in NF1 are known to be pathogenic (PMID: 10712197, 23913538). For these reasons, this variant has been classified as Pathogenic.

Literature cited by the submitters: PubMed 10712197; PubMed 23913538.

NC_000017.10:g.(?_29549489)_(29552278_?)del

Gene: NF1 (neurofibromin 1; plus strand). Cytogenetic location: 17q11.2.
Variant type: Deletion.
Identifiers: ClinVar variation 1460274 (VCV001460274.7).